The following is an entry in ClinVar:

NM_001923.5(DDB1):c.2725A>G (p.Ile909Val)

Gene: DDB1 (damage specific DNA binding protein 1; minus strand). Cytogenetic location: 11q12.2.
Variant type: single nucleotide variant.
Coding change: c.2725A>G on transcript NM_001923.5 (MANE Select); coding-DNA position 2725, A replaced by G.
Protein change: p.Ile909Val; replaces isoleucine 909 with valine.
Molecular consequence: missense variant.
Genome position (GRCh38, 1-based): chr11:61,303,972, T>C on the plus strand (A>G on the coding strand, the complement: DDB1 is on the minus strand). VCF-style: chr11-61303972-T-C. GRCh37 (hg19) VCF-style: chr11-61071444-T-C.
Other names: short protein forms I909V.
Identifiers: ClinVar variation 4882638 (VCV004882638.2).

ClinVar aggregate classification (germline): Uncertain significance (1 of 4 stars; one submission).

Submission:

Dasa
Classification: Uncertain significance. Last evaluated: 2024-09-17. Review status: criteria provided, single submitter. Criteria: DASA Assertion Criteria. Collection method: clinical testing. Allele origin: germline.
Comment: NM_001923.5(DDB1):c.2725A>G (p.Ile909Val) is a missense variant that results in the substitution of isoleucine with valine. This variant is absent from population databases. Computational prediction algorithms are consistent with a benign effect. The currently available literature and clinical evidence are not sufficient to establish a definitive association between this variant and the reported condition. Therefore, this variant is classified as a variant of uncertain significance.